The following is an entry in ClinVar:

ClinVar aggregate classification (germline): Uncertain significance. Review status: criteria provided, multiple submitters, no conflicts (2 of 4 stars). 5 submissions from 5 submitters: Uncertain significance (5). Last evaluated 2025-08-12.

Conditions:
MYH6-related disorder. Also called: MYH6-Related Disorders; MYH6-related condition.
Cardiovascular phenotype. Identifiers: MedGen CN230736.
Hypertrophic cardiomyopathy 14. Identifiers: MedGen C2750467, MONDO:0013197, OMIM 613251.
Dilated cardiomyopathy 1EE (CMD1EE). Identifiers: Orphanet 154, MedGen C2750466, MONDO:0013198, OMIM 613252.
Atrial septal defect 3 (ASD3). Identifiers: Orphanet 1478, MedGen C3279790, MONDO:0013567, OMIM 614089.
Sick sinus syndrome 3, susceptibility to (SSS3). Identifiers: Orphanet 166282, MedGen C3279791, MONDO:0013568, OMIM 614090.
Hypertrophic cardiomyopathy 1 (CMH1). Also called: Familial hypertrophic cardiomyopathy 1; MYH7-Related Familial Hypertrophic Cardiomyopathy. Identifiers: MedGen C3495498, MONDO:0008647, OMIM 192600.

Allele frequency attached by ClinVar (database versions not stated): gnomAD 0.00002; gnomAD exomes 0.00002; TOPMed 0.00002.

Submissions (5):

PreventionGenetics, part of Exact Sciences
Classification: Uncertain significance for MYH6-related condition. Last evaluated: 2025-08-12. Review status: criteria provided, single submitter. Criteria: ACMG Guidelines, 2015. Collection method: clinical testing. Allele origin: germline.
Comment: The MYH6 c.4438A>G variant is predicted to result in the amino acid substitution p.Ser1480Gly. This variant has been reported in an individual with dilated cardiomyopathy (Online Supplementary File 2, van Lint et al. 2019. PubMed ID: 30847666). This variant is reported in 0.0029% of alleles in individuals of Latino descent in gnomAD. At this time, the clinical significance of this variant is uncertain due to the absence of conclusive functional and genetic evidence.

Labcorp Genetics (formerly Invitae), Labcorp
Classification: Uncertain significance for Hypertrophic cardiomyopathy 14. Last evaluated: 2024-09-06. Review status: criteria provided, single submitter. Criteria: Invitae Variant Classification Sherloc (09022015). Collection method: clinical testing. Allele origin: germline.
Comment: This sequence change replaces serine, which is neutral and polar, with glycine, which is neutral and non-polar, at codon 1480 of the MYH6 protein (p.Ser1480Gly). This variant is present in population databases (no rsID available, gnomAD 0.003%). This missense change has been observed in individual(s) with dilated cardiomyopathy (PMID: 30847666). ClinVar contains an entry for this variant (Variation ID: 537959). An algorithm developed to predict the effect of missense changes on protein structure and function (PolyPhen-2) suggests that this variant is likely to be tolerated. In summary, the available evidence is currently insufficient to determine the role of this variant in disease. Therefore, it has been classified as a Variant of Uncertain Significance.

Ambry Genetics
Classification: Uncertain significance for Cardiovascular phenotype. Last evaluated: 2023-11-07. Review status: criteria provided, single submitter. Criteria: Ambry Variant Classification Scheme 2023. Collection method: clinical testing. Allele origin: germline.
Comment: The p.S1480G variant (also known as c.4438A>G), located in coding exon 29 of the MYH6 gene, results from an A to G substitution at nucleotide position 4438. The serine at codon 1480 is replaced by glycine, an amino acid with similar properties. This variant was detected in a cardiomyopathy genetic testing cohort; however, clinical details were limited (van Lint FHM et al. Neth Heart J, 2019 Jun;27:304-309). This amino acid position is highly conserved in available vertebrate species. In addition, this alteration is predicted to be tolerated by in silico analysis. Since supporting evidence is limited at this time, the clinical significance of this alteration remains unclear.

Fulgent Genetics
Classification: Uncertain significance for Hypertrophic cardiomyopathy 1; Hypertrophic cardiomyopathy 14; Dilated cardiomyopathy 1EE; Atrial septal defect 3; Sick sinus syndrome 3, susceptibility to. Last evaluated: 2021-11-02. Review status: criteria provided, single submitter. Criteria: ACMG Guidelines, 2015. Collection method: clinical testing. Allele origin: unknown.

Center for Genomics, Ann and Robert H. Lurie Children's Hospital of Chicago
Classification: Uncertain significance for Sick sinus syndrome 3, susceptibility to; Atrial septal defect 3; Dilated cardiomyopathy 1EE; Hypertrophic cardiomyopathy 14. Review status: criteria provided, single submitter. Criteria: ACMG Guidelines, 2015. Collection method: clinical testing. Allele origin: germline.
Comment: MYH6 NM_002471.3 exon 31 p.Ser1480Gly (c.4438A>G):This variant has not been reported in the literature but is present in 0.002% (1/34580) of Latino alleles in the Genome Aggregation Database. This variant is present in ClinVar (Variation ID:537939). Evolutionary conservation and computational predictive tools suggest that this variant may impact the protein. Of note, computational tools designed to predict splicing suggest a potential effect from this variant. However, further studies are needed to understand its impact. In summary, data on this variant is insufficient for disease classification. Therefore, the clinical significance of this variant is uncertain.

Literature cited by the submitters: PubMed 30847666 (cited by Labcorp Genetics (formerly Invitae), Labcorp and Ambry Genetics).

NM_002471.4(MYH6):c.4438A>G (p.Ser1480Gly)

Gene: MYH6 (myosin heavy chain 6; minus strand). Cytogenetic location: 14q11.2.
Variant type: single nucleotide variant.
Coding change: c.4438A>G on transcript NM_002471.4 (MANE Select); coding-DNA position 4438, A replaced by G.
Protein change: p.Ser1480Gly; replaces serine 1480 with glycine.
Molecular consequence: missense variant.
Genome position (GRCh38, 1-based): chr14:23,387,845, T>C on the plus strand (A>G on the coding strand, the complement: MYH6 is on the minus strand). VCF-style: chr14-23387845-T-C. GRCh37 (hg19) VCF-style: chr14-23857054-T-C.
Other names: short protein forms S1480G.
Identifiers: ClinVar variation 537959 (VCV000537959.16), dbSNP rs930701630, ClinGen allele CA257780356.